The following is an entry in ClinVar:

ClinVar aggregate classification (germline): Uncertain significance (1 of 4 stars; one submission).

Submission:

Labcorp Genetics (formerly Invitae), Labcorp
Classification: Uncertain significance. Last evaluated: 2021-11-11. Review status: criteria provided, single submitter. Criteria: Invitae Variant Classification Sherloc (09022015). Collection method: clinical testing. Allele origin: germline.
Comment: This variant results in a copy number gain of the genomic region encompassing exon(s) 1-2 of the IMPDH1 gene. This region includes the initiator codon of the gene. This copy number gain extends beyond the assayed region for this gene and therefore may encompass additional genes. As the precise location of this event is unknown, it may be in tandem or it may be located elsewhere in the genome. This variant has not been reported in the literature in individuals affected with IMPDH1-related conditions. In summary, the available evidence is currently insufficient to determine the role of this variant in disease. Therefore, it has been classified as a Variant of Uncertain Significance.

NC_000007.13:g.(?_128049475)_(128049955_?)dup

Gene: IMPDH1 (inosine monophosphate dehydrogenase 1; minus strand). Cytogenetic location: 7q32.1.
Variant type: Duplication.
Identifiers: ClinVar variation 1409966 (VCV001409966.4).